The following is an entry in ClinVar:

NM_001563.4(IMPG1):c.322G>A (p.Glu108Lys)

Gene: IMPG1 (interphotoreceptor matrix proteoglycan 1; minus strand). Cytogenetic location: 6q14.1.
Variant type: single nucleotide variant.
Coding change: c.322G>A on transcript NM_001563.4 (MANE Select); coding-DNA position 322, G replaced by A.
Protein change: p.Glu108Lys; replaces glutamic acid 108 with lysine.
Molecular consequence: missense variant.
Genome position (GRCh38, 1-based): chr6:76,034,767, C>T on the plus strand (G>A on the coding strand, the complement: IMPG1 is on the minus strand). VCF-style: chr6-76034767-C-T. GRCh37 (hg19) VCF-style: chr6-76744484-C-T.
Other names: c.88G>A, p.Glu30Lys (NM_001282368.2); short protein forms E108K, E30K.
Identifiers: ClinVar variation 4811477 (VCV004811477.1).

ClinVar aggregate classification (germline): Uncertain significance (1 of 4 stars; one submission).

gnomAD v4.1: 1 of 1,614,022 alleles (0.000062%); highest among the groups gnomAD compares: East Asian, 0.0022%; no homozygotes.

Submission:

Labcorp Genetics (formerly Invitae), Labcorp
Classification: Uncertain significance. Last evaluated: 2025-05-26. Review status: criteria provided, single submitter. Criteria: Invitae Variant Classification Sherloc (09022015). Collection method: clinical testing. Allele origin: germline.
Comment: This sequence change replaces glutamic acid, which is acidic and polar, with lysine, which is basic and polar, at codon 108 of the IMPG1 protein (p.Glu108Lys). This variant is present in population databases (no rsID available, gnomAD 0.006%). This variant has not been reported in the literature in individuals affected with IMPG1-related conditions. An algorithm developed to predict the effect of missense changes on protein structure and function (PolyPhen-2) suggests that this variant is likely to be disruptive. In summary, the available evidence is currently insufficient to determine the role of this variant in disease. Therefore, it has been classified as a Variant of Uncertain Significance.